The following is an entry in ClinVar:

NM_004991.4(MECOM):c.1429G>T (p.Ala477Ser)

Gene: MECOM (MDS1 and EVI1 complex locus; minus strand). Cytogenetic location: 3q26.2.
Variant type: single nucleotide variant.
Coding change: c.1429G>T on transcript NM_004991.4 (MANE Select); coding-DNA position 1429, G replaced by T.
Protein change: p.Ala477Ser; replaces alanine 477 with serine.
Molecular consequence: missense variant. On other transcripts: intron variant (2).
Genome position (GRCh38, 1-based): chr3:169,116,443, C>A on the plus strand (G>T on the coding strand, the complement: MECOM is on the minus strand). VCF-style: chr3-169116443-C-A. GRCh37 (hg19) VCF-style: chr3-168834231-C-A.
Other names: c.1060G>T, p.Ala354Ser (NM_001105077.4); c.865G>T, p.Ala289Ser (NM_001105078.4, NM_001164000.2, NM_001205194.2 and 4 more transcripts); c.868G>T, p.Ala290Ser (NM_001163999.2, NM_001366467.2, NM_001366468.2 and 1 more transcripts); c.1429G>T, p.Ala477Ser (NM_001366466.2); c.1133-676G>T (NM_001366473.2); c.569-676G>T (NM_001366474.2); short protein forms A354S, A290S, A289S, A477S.
Identifiers: ClinVar variation 5024213 (VCV005024213.1).

ClinVar aggregate classification (germline): Uncertain significance (1 of 4 stars; one submission).

Conditions:
Inborn genetic diseases. Identifiers: MedGen C0950123, MeSH D030342.

gnomAD v4.1: 1 of 1,614,152 alleles (0.000062%); highest among the groups gnomAD compares: Non-Finnish European, 0.000085%; no homozygotes.

Submission:

Ambry Genetics
Classification: Uncertain significance for Inborn genetic diseases. Last evaluated: 2026-09-06. Review status: criteria provided, single submitter. Criteria: Ambry Variant Classification Scheme 2023. Collection method: clinical testing. Allele origin: germline.
Comment: The p.A477S variant (also known as c.1429G>T), located in coding exon 8 of the MECOM gene, results from a G to T substitution at nucleotide position 1429. The alanine at codon 477 is replaced by serine, an amino acid with similar properties. This amino acid position is conserved. In addition, this alteration is predicted to be tolerated by in silico analysis. Based on the available evidence, the clinical significance of this variant remains unclear.